The following is an entry in ClinVar:

ClinVar aggregate classification (germline): Uncertain significance (1 of 4 stars; one submission).

gnomAD v4.1: 1 of 1,613,874 alleles (0.000062%); highest among the groups gnomAD compares: Non-Finnish European, 0.000085%; no homozygotes.

Submission:

Labcorp Genetics (formerly Invitae), Labcorp
Classification: Uncertain significance. Last evaluated: 2024-05-16. Review status: criteria provided, single submitter. Criteria: Invitae Variant Classification Sherloc (09022015). Collection method: clinical testing. Allele origin: germline.
Comment: This sequence change replaces glutamic acid, which is acidic and polar, with lysine, which is basic and polar, at codon 1343 of the ANK3 protein (p.Glu1343Lys). This variant is present in population databases (rs764695552, gnomAD 0.0009%). This variant has not been reported in the literature in individuals affected with ANK3-related conditions. Advanced modeling of protein sequence and biophysical properties (such as structural, functional, and spatial information, amino acid conservation, physicochemical variation, residue mobility, and thermodynamic stability) performed at Invitae indicates that this missense variant is expected to disrupt ANK3 protein function with a positive predictive value of 80%. In summary, the available evidence is currently insufficient to determine the role of this variant in disease. Therefore, it has been classified as a Variant of Uncertain Significance.

NM_020987.5(ANK3):c.4027G>A (p.Glu1343Lys)

Gene: ANK3 (ankyrin 3; minus strand). Cytogenetic location: 10q21.2.
Variant type: single nucleotide variant.
Coding change: c.4027G>A on transcript NM_020987.5 (MANE Select); coding-DNA position 4027, G replaced by A.
Protein change: p.Glu1343Lys; replaces glutamic acid 1343 with lysine.
Molecular consequence: missense variant.
Genome position (GRCh38, 1-based): chr10:60,084,649, C>T on the plus strand (G>A on the coding strand, the complement: ANK3 is on the minus strand). VCF-style: chr10-60084649-C-T. GRCh37 (hg19) VCF-style: chr10-61844407-C-T.
Other names: c.1429G>A, p.Glu477Lys (NM_001149.4); c.4009G>A, p.Glu1337Lys (NM_001204403.2); c.4030G>A, p.Glu1344Lys (NM_001204404.2); c.4027G>A, p.Glu1343Lys (NM_001320874.2); short protein forms E1343K, E1344K, E477K, E1337K.
Identifiers: ClinVar variation 3679258 (VCV003679258.2).